The following is an entry in ClinVar:

NM_004006.3(DMD):c.7427del (p.Asn2476fs)

Gene: DMD (dystrophin; minus strand). Cytogenetic location: Xp21.1.
Variant type: Deletion.
Coding change: c.7427del on transcript NM_004006.3 (MANE Select); coding-DNA position 7427, one base deleted (A; older notation c.7427delA).
Protein change: p.Asn2476fs; shifts the reading frame from asparagine 2476.
Molecular consequence: frameshift variant.
Genome position (GRCh38, 1-based): chrX:31,774,075, T deleted on the plus strand (A on the coding strand, the reverse complement: DMD is on the minus strand); the first of 2 consecutive T bases (chrX:31,774,075-31,774,076); deleting either gives the same sequence. VCF-style (leftmost placement, unchanged base first): chrX-31774074-GT-G. GRCh37 (hg19) VCF-style: chrX-31792191-GT-G.
Other names: c.7403del, p.Asn2468fs (NM_000109.4); c.7415del, p.Asn2472fs (NM_004009.3); c.7058del, p.Asn2353fs (NM_004010.3); c.3404del, p.Asn1135fs (NM_004011.4); c.3395del, p.Asn1132fs (NM_004012.4); c.47del, p.Asn16fs (NM_004013.3, NM_004020.4, NM_004021.3 and 2 more transcripts); short protein forms N1132fs, N16fs, N2468fs, N2353fs, N2472fs, N2476fs, N1135fs.
Identifiers: ClinVar variation 2020179 (VCV002020179.4), dbSNP rs2530839937, ClinGen allele CA2580100605.

ClinVar aggregate classification (germline): Pathogenic (1 of 4 stars; one submission).

Conditions:
Duchenne muscular dystrophy (DMD). Also called: MUSCULAR DYSTROPHY, PSEUDOHYPERTROPHIC PROGRESSIVE, DUCHENNE TYPE; Duchenne Muscular Dystrophy (DMD). Identifiers: Orphanet 98896, MedGen C0013264, MONDO:0010679, OMIM 310200.

Submission:

Labcorp Genetics (formerly Invitae), Labcorp
Classification: Pathogenic for Duchenne muscular dystrophy. Last evaluated: 2022-07-29. Review status: criteria provided, single submitter. Criteria: Invitae Variant Classification Sherloc (09022015). Collection method: clinical testing. Allele origin: germline.
Comment: This sequence change creates a premature translational stop signal (p.Asn2476Thrfs*18) in the DMD gene. It is expected to result in an absent or disrupted protein product. Loss-of-function variants in DMD are known to be pathogenic (PMID: 16770791, 25007885). This variant is not present in population databases (gnomAD no frequency). This variant has not been reported in the literature in individuals affected with DMD-related conditions. For these reasons, this variant has been classified as Pathogenic.

Literature cited by the submitters: PubMed 16770791; PubMed 25007885.